The following is an entry in ClinVar:

ClinVar aggregate classification (germline): Uncertain significance (1 of 4 stars; one submission).

Allele frequency attached by ClinVar (database versions not stated): ExAC 0.00001; gnomAD exomes 0.00001; TOPMed 0.00002.
gnomAD v4.1: 10 of 1,605,868 alleles (0.00062%); highest among the groups gnomAD compares: Non-Finnish European, 0.00077%; no homozygotes.

Submission:

Labcorp Genetics (formerly Invitae), Labcorp
Classification: Uncertain significance. Last evaluated: 2022-03-06. Review status: criteria provided, single submitter. Criteria: Invitae Variant Classification Sherloc (09022015). Collection method: clinical testing. Allele origin: germline.
Comment: This sequence change replaces glycine, which is neutral and non-polar, with glutamic acid, which is acidic and polar, at codon 988 of the ADGRV1 protein (p.Gly988Glu). The frequency data for this variant in the population databases is considered unreliable, as metrics indicate poor data quality at this position in the gnomAD database. This variant has not been reported in the literature in individuals affected with ADGRV1-related conditions. Algorithms developed to predict the effect of missense changes on protein structure and function are either unavailable or do not agree on the potential impact of this missense change (SIFT: "Deleterious"; PolyPhen-2: "Probably Damaging"; Align-GVGD: "Class C0"). In summary, the available evidence is currently insufficient to determine the role of this variant in disease. Therefore, it has been classified as a Variant of Uncertain Significance.

NM_032119.4(ADGRV1):c.2963G>A (p.Gly988Glu)

Gene: ADGRV1 (adhesion G protein-coupled receptor V1; plus strand). Cytogenetic location: 5q14.3.
Variant type: single nucleotide variant.
Coding change: c.2963G>A on transcript NM_032119.4 (MANE Select); coding-DNA position 2963, G replaced by A.
Protein change: p.Gly988Glu; replaces glycine 988 with glutamic acid.
Molecular consequence: missense variant. On other transcripts: non-coding transcript variant (1).
Genome position (GRCh38, 1-based): chr5:90,646,032, G>A. VCF-style: chr5-90646032-G-A. GRCh37 (hg19) VCF-style: chr5-89941849-G-A.
Other names: short protein forms G988E.
Identifiers: ClinVar variation 2107484 (VCV002107484.1), dbSNP rs779807154, ClinGen allele CA3339071.